The following is an entry in ClinVar:

NM_003072.5(SMARCA4):c.3569C>G (p.Ala1190Gly)

Gene: SMARCA4 (SWI/SNF related BAF chromatin remodeling complex subunit ATPase 4; plus strand). Cytogenetic location: 19p13.2.
Variant type: single nucleotide variant.
Coding change: c.3569C>G on transcript NM_003072.5 (MANE Select); coding-DNA position 3569, C replaced by G.
Protein change: p.Ala1190Gly; replaces alanine 1190 with glycine.
Molecular consequence: missense variant. On other transcripts: non-coding transcript variant (1).
Genome position (GRCh38, 1-based): chr19:11,033,312, C>G. VCF-style: chr19-11033312-C-G. GRCh37 (hg19) VCF-style: chr19-11143988-C-G.
Other names: c.3569C>G, p.Ala1190Gly (NM_001128844.3, NM_001128845.2, NM_001128846.2 and 6 more transcripts); short protein forms A1190G.
Identifiers: ClinVar variation 4549764 (VCV004549764.1).

ClinVar aggregate classification (germline): Uncertain significance (1 of 4 stars; one submission).

Conditions:
Hereditary cancer-predisposing syndrome. Also called: Tumor predisposition; Hereditary Cancer Syndrome; Hereditary neoplastic syndrome; Neoplastic Syndromes, Hereditary. Identifiers: Orphanet 140162, MedGen C0027672, MeSH D009386, MONDO:0015356.

Submission:

Ambry Genetics
Classification: Uncertain significance for Hereditary cancer-predisposing syndrome. Last evaluated: 2025-12-03. Review status: criteria provided, single submitter. Criteria: Ambry Variant Classification Scheme 2023. Collection method: clinical testing. Allele origin: germline.
Comment: The p.A1190G variant (also known as c.3569C>G), located in coding exon 25 of the SMARCA4 gene, results from a C to G substitution at nucleotide position 3569. The alanine at codon 1190 is replaced by glycine, an amino acid with similar properties. This amino acid position is highly conserved in available vertebrate species. In addition, this alteration is predicted to be deleterious by in silico analysis. Based on the available evidence, the clinical significance of this variant remains unclear.